The following is an entry in ClinVar:

NM_013275.6(ANKRD11):c.1645_1648del (p.Asp549fs)

Gene: ANKRD11 (ankyrin repeat domain 11; minus strand). Cytogenetic location: 16q24.3.
Variant type: Microsatellite.
Coding change: c.1645_1648del on transcript NM_013275.6 (MANE Select); coding-DNA positions 1645 to 1648, 4 bases deleted (GACA; older notation c.1645_1648delGACA).
Protein change: p.Asp549fs; shifts the reading frame from aspartic acid 549.
Molecular consequence: frameshift variant.
Genome position (GRCh38, 1-based): chr16:89,284,894-89,284,897, TGTC deleted on the plus strand (GACA on the coding strand, the reverse complement: ANKRD11 is on the minus strand); deleting any 4 consecutive bases within chr16:89,284,894-89,284,901 gives the same sequence; the c. name uses the placement nearest the transcript's 3' end. VCF-style (leftmost placement, unchanged base first): chr16-89284893-TTGTC-T. GRCh37 (hg19) VCF-style: chr16-89351301-TTGTC-T.
Other names: c.1645_1648del, p.Asp549fs (NM_001256182.2, NM_001256183.2); short protein forms D549fs.
Identifiers: ClinVar variation 2995674 (VCV002995674.4), dbSNP rs2544244221, ClinGen allele CA2740095160.
Genomic context (GRCh38, chr16:89,284,893, plus strand): 5'-CTTGTGGAGTCTGATAAAGAACTGACCTCTGACCAAGCCGGGGAAGAAATGGTTTTCCAA[TTGTC>T]TGTCCGCCAGTGCTTGGTGTGCTGGTCTGTGTGGCTGGGGTTCTGCTTCTGGGCGGCAGA-3'

ClinVar aggregate classification (germline): Pathogenic/Likely pathogenic. Review status: criteria provided, multiple submitters, no conflicts (2 of 4 stars). 2 submissions from 2 submitters: Pathogenic (1); Likely pathogenic (1). Last evaluated 2024-01-16.

Conditions:
ANKRD11-related disorder. Also called: ANKRD11-related condition.
KBG syndrome (KBGS). Also called: ANKRD11-Related KBG Syndrome. Identifiers: Orphanet 2332, MedGen C0220687, MONDO:0007846, OMIM 148050.

Submissions (2):

Blueprint Genetics
Classification: Likely pathogenic for ANKRD11-related disorders. Last evaluated: 2024-01-16. Review status: criteria provided, single submitter. Criteria: ACMG Guidelines, 2015. Collection method: clinical testing. Allele origin: germline. Affected: yes. Observed: 1 variant allele.

Labcorp Genetics (formerly Invitae), Labcorp
Classification: Pathogenic for KBG syndrome. Last evaluated: 2023-12-01. Review status: criteria provided, single submitter. Criteria: Invitae Variant Classification Sherloc (09022015). Collection method: clinical testing. Allele origin: germline.
Comment: This sequence change creates a premature translational stop signal (p.Asp549Ilefs*24) in the ANKRD11 gene. It is expected to result in an absent or disrupted protein product. Loss-of-function variants in ANKRD11 are known to be pathogenic (PMID: 21782149, 25125236, 25413698, 25652421). This variant is not present in population databases (gnomAD no frequency). This variant has not been reported in the literature in individuals affected with ANKRD11-related conditions. For these reasons, this variant has been classified as Pathogenic.

Literature cited by the submitters: PubMed 21782149 (cited by Labcorp Genetics (formerly Invitae), Labcorp); PubMed 25125236 (cited by Labcorp Genetics (formerly Invitae), Labcorp); PubMed 25413698 (cited by Labcorp Genetics (formerly Invitae), Labcorp); PubMed 25652421 (cited by Labcorp Genetics (formerly Invitae), Labcorp).